The following is an entry in ClinVar:

ClinVar aggregate classification (germline): Uncertain significance. Review status: criteria provided, multiple submitters, no conflicts (2 of 4 stars). 2 submissions from 2 submitters: Uncertain significance (2). Last evaluated 2026-05-28.

Conditions:
Cardiovascular phenotype. Identifiers: MedGen CN230736.
Osteogenesis imperfecta type I (OI1). Also called: Lobstein disease; OI, TYPE I; OSTEOGENESIS IMPERFECTA TARDA; OSTEOGENESIS IMPERFECTA WITH BLUE SCLERAE; Osteogenesis imperfecta type 1; Lobstein's Disease. Identifiers: Orphanet 216796, Orphanet 666, MedGen C0023931, MONDO:0008146, OMIM 166200. Disease mechanism: loss of function.
Ehlers-Danlos syndrome, classic type, 1 (EDSCL1). Also called: EDS I; EHLERS-DANLOS SYNDROME, GRAVIS TYPE; EHLERS-DANLOS SYNDROME, SEVERE CLASSIC TYPE; Ehlers-Danlos syndrome, type 1; Ehlers-Danlos Syndrome, Classic Type, COL5A1-Related. Identifiers: MedGen C0268335, MONDO:0019567, OMIM 130000.

Allele frequency attached by ClinVar (database versions not stated): gnomAD 0.00001; TOPMed below 0.00001.
gnomAD v4.1: 2 of 1,601,428 alleles (0.00012%); highest among the groups gnomAD compares: African/African-American, 0.0013%; no homozygotes.

Submissions (2):

Ambry Genetics
Classification: Uncertain significance for Cardiovascular phenotype. Last evaluated: 2026-05-28. Review status: criteria provided, single submitter. Criteria: Ambry Variant Classification Scheme 2023. Collection method: clinical testing. Allele origin: germline.
Comment: The p.P651L variant (also known as c.1952C>T), located in coding exon 32 of the COL1A2 gene, results from a C to T substitution at nucleotide position 1952. The proline at codon 651 is replaced by leucine, an amino acid with similar properties. This amino acid position is conserved. In addition, this alteration is predicted to be deleterious by in silico analysis. Based on the available evidence, the clinical significance of this variant remains unclear.

Labcorp Genetics (formerly Invitae), Labcorp
Classification: Uncertain significance for Osteogenesis imperfecta type I; Ehlers-Danlos syndrome, classic type, 1. Last evaluated: 2022-12-13. Review status: criteria provided, single submitter. Criteria: Invitae Variant Classification Sherloc (09022015). Collection method: clinical testing. Allele origin: germline.
Comment: In summary, the available evidence is currently insufficient to determine the role of this variant in disease. Therefore, it has been classified as a Variant of Uncertain Significance. Advanced modeling of protein sequence and biophysical properties (such as structural, functional, and spatial information, amino acid conservation, physicochemical variation, residue mobility, and thermodynamic stability) has been performed at Invitae for this missense variant, however the output from this modeling did not meet the statistical confidence thresholds required to predict the impact of this variant on COL1A2 protein function. This variant has not been reported in the literature in individuals affected with COL1A2-related conditions. This variant is not present in population databases (gnomAD no frequency). This sequence change replaces proline, which is neutral and non-polar, with leucine, which is neutral and non-polar, at codon 651 of the COL1A2 protein (p.Pro651Leu).

NM_000089.4(COL1A2):c.1952C>T (p.Pro651Leu)

Gene: COL1A2 (collagen type I alpha 2 chain; plus strand). Cytogenetic location: 7q21.3.
Variant type: single nucleotide variant.
Coding change: c.1952C>T on transcript NM_000089.4 (MANE Select); coding-DNA position 1952, C replaced by T.
Protein change: p.Pro651Leu; replaces proline 651 with leucine.
Molecular consequence: missense variant.
Genome position (GRCh38, 1-based): chr7:94,417,812, C>T. VCF-style: chr7-94417812-C-T. GRCh37 (hg19) VCF-style: chr7-94047124-C-T.
Other names: short protein forms P651L.
Identifiers: ClinVar variation 2939492 (VCV002939492.4), dbSNP rs1173116350, ClinGen allele CA368222932.
Genomic context (GRCh38, chr7:94,417,812, plus strand): 5'-GCACTGCTGGTCCATCTGGTCCTAGTGGACTCCCAGGAGAGAGGGGTGCTGCTGGCATAC[C>T]TGGAGGCAAGGGAGAAAAGGTACGTGTTGACCCCTATTACATATTGTTGATGAACTCTAG-3'
Protein context (NP_000080.2, residues 641-661): LPGERGAAGI[Pro651Leu]GGKGEKGEPG